The following is an entry in ClinVar:

ClinVar aggregate classification (germline): Conflicting classifications of pathogenicity. Review status: criteria provided, conflicting classifications (1 of 4 stars). 9 submissions from 9 submitters: Uncertain significance (4); Likely benign (3). 2 of the submissions do not count toward it. Last evaluated 2025-12-23.

Conditions:
Hereditary cancer-predisposing syndrome. Also called: Hereditary Cancer Syndrome; Neoplastic Syndromes, Hereditary; Tumor predisposition; Hereditary neoplastic syndrome. Identifiers: Orphanet 140162, MedGen C0027672, MeSH D009386, MONDO:0015356.
Breast-ovarian cancer, familial, susceptibility to, 2 (BROVCA2). Also called: BRCA2 Hereditary Breast and Ovarian Cancer. Identifiers: Orphanet 145, MedGen C2675520, MONDO:0012933, OMIM 612555. Disease mechanism: loss of function.
Hereditary breast ovarian cancer syndrome. Also called: Hereditary breast and/or ovarian cancer syndrome; BRCA1- and BRCA2-Associated Hereditary Breast and Ovarian Cancer; Hereditary breast and ovarian cancer syndrome (HBOC); Hereditary breast and ovarian cancer; Hereditary breast and ovarian cancer syndrome; Breast and ovarian cancer. Identifiers: Orphanet 145, MedGen C0677776, MeSH D061325, MONDO:0003582. Disease mechanism: loss of function.

Allele frequency attached by ClinVar (database versions not stated): gnomAD exomes 0.00002; ExAC 0.00005.
gnomAD v4.1: 13 of 1,608,706 alleles (0.00081%); highest among the groups gnomAD compares: Admixed American, 0.0034%; no homozygotes.

Submissions (9):

Labcorp Genetics (formerly Invitae), Labcorp
Classification: Uncertain significance for Hereditary breast ovarian cancer syndrome. Last evaluated: 2025-12-23. Review status: criteria provided, single submitter. Criteria: Invitae Variant Classification Sherloc (09022015). Collection method: clinical testing. Allele origin: germline.
Comment: This sequence change replaces lysine, which is basic and polar, with glutamic acid, which is acidic and polar, at codon 2111 of the BRCA2 protein (p.Lys2111Glu). This variant is present in population databases (rs773211804, gnomAD 0.005%). This variant has not been reported in the literature in individuals affected with BRCA2-related conditions. ClinVar contains an entry for this variant (Variation ID: 230397). Invitae Evidence Modeling of protein sequence and biophysical properties (such as structural, functional, and spatial information, amino acid conservation, physicochemical variation, residue mobility, and thermodynamic stability) indicates that this missense variant is not expected to disrupt BRCA2 protein function with a negative predictive value of 95%. In summary, the available evidence is currently insufficient to determine the role of this variant in disease. Therefore, it has been classified as a Variant of Uncertain Significance.

Ambry Genetics
Classification: Likely benign for Hereditary cancer-predisposing syndrome. Last evaluated: 2025-10-27. Review status: criteria provided, single submitter. Criteria: Ambry Variant Classification Scheme 2023. Collection method: clinical testing. Allele origin: germline.

Myriad Genetics, Inc.
Classification: Likely benign for Breast-ovarian cancer, familial, susceptibility to, 2. Last evaluated: 2025-04-22. Review status: criteria provided, single submitter. Criteria: Myriad Autosomal Dominant, Autosomal Recessive and X-Linked Classification Criteria (2023). Collection method: clinical testing. Allele origin: unknown.
Comment: This variant is considered likely benign. This variant is strongly associated with less severe personal and family histories of cancer, typical for individuals without pathogenic variants in this gene [PMID: 25085752].

Color Diagnostics, LLC DBA Color Health
Classification: Uncertain significance for Hereditary cancer-predisposing syndrome. Last evaluated: 2024-03-20. Review status: criteria provided, single submitter. Criteria: ACMG Guidelines, 2015. Collection method: clinical testing. Allele origin: germline.
Comment: This missense variant replaces lysine with glutamic acid at codon 2111 of the BRCA2 protein. Computational prediction suggests that this variant may not impact protein structure and function. To our knowledge, functional studies have not been reported for this variant. This variant has been reported in 1 individual affected with prostate cancer and 1 individual affected with both prostate cancer and melanoma (Color data). In a large breast cancer case-control study conducted by the BRIDGES consortium, this variant was reported in 3/60466 cases and 3/53461 controls; OR=0.884 (95%CI 0.178 to 4.381); p-value=1; Leiden Open Variation Database DB-ID BRCA2_001053 (PMID: 33471991).This variant has been identified in 6/244162 chromosomes in the general population by the Genome Aggregation Database (gnomAD). The available evidence is insufficient to determine the role of this variant in disease conclusively. Therefore, this variant is classified as a Variant of Uncertain Significance.

Laboratory for Molecular Medicine, Mass General Brigham Personalized Medicine
Classification: Uncertain significance. Last evaluated: 2023-07-11. Review status: criteria provided, single submitter. Criteria: ACMG Guidelines, 2015. Collection method: clinical testing. Allele origin: germline.
Comment: The p.Lys2111Glu variant in BRCA2 has not been previously reported in individuals with BRCA2-related cancers and was absent from large population studies. This variant has been reported in ClinVar (Variation ID 230397). Computational prediction tools and conservation analyses suggest that this variant may not impact the protein, though this information is not predictive enough to rule out pathogenicity. In summary, the clinical significance of this variant is uncertain. ACMG/AMP Criteria applied: PM2_Supporting, PP3.

University of Washington Department of Laboratory Medicine, University of Washington
Classification: Likely benign for Hereditary cancer-predisposing syndrome. Last evaluated: 2023-03-23. Review status: criteria provided, single submitter. Criteria: Dines et al. (Genet Med. 2020). Collection method: curation. Allele origin: germline.
Comment: Missense variant in a coldspot region where missense variants are very unlikely to be pathogenic (PMID:31911673).

BRCA2 exon 11 coldspot. Reclassification based on statistical prior probability.

Clinical Genetics Laboratory, Skane University Hospital Lund
Classification: Uncertain significance. Last evaluated: 2022-09-02. Review status: criteria provided, single submitter. Criteria: ACMG Guidelines, 2015. Collection method: clinical testing. Allele origin: germline. Affected: yes.

BRCAlab, Lund University
Classification: Uncertain significance for Breast-ovarian cancer, familial, susceptibility to, 2. Last evaluated: 2020-03-02. Review status: no assertion criteria provided. Collection method: clinical testing. Allele origin: germline. Affected: yes. Not counted in ClinVar's aggregate classification.

Counsyl
Classification: Uncertain significance for Breast-ovarian cancer, familial, susceptibility to, 2. Last evaluated: 2018-03-28. Review status: no assertion criteria provided. Collection method: clinical testing. Allele origin: unknown. Not counted in ClinVar's aggregate classification.

Literature cited by the submitters: PubMed 25085752 (cited by Myriad Genetics, Inc.); PubMed 33471991 (cited by Color Diagnostics, LLC DBA Color Health).

NM_000059.4(BRCA2):c.6331A>G (p.Lys2111Glu)

Gene: BRCA2 (BRCA2 DNA repair associated; plus strand). Cytogenetic location: 13q13.1.
Variant type: single nucleotide variant.
Coding change: c.6331A>G on transcript NM_000059.4 (MANE Select); coding-DNA position 6331, A replaced by G.
Protein change: p.Lys2111Glu; replaces lysine 2111 with glutamic acid.
Molecular consequence: missense variant.
Genome position (GRCh38, 1-based): chr13:32,340,686, A>G. VCF-style: chr13-32340686-A-G. GRCh37 (hg19) VCF-style: chr13-32914823-A-G.
Other names: short protein forms K2111E.
Identifiers: ClinVar variation 230397 (VCV000230397.27), dbSNP rs773211804, ClinGen allele CA6940945.